The following is an entry in ClinVar:

ClinVar aggregate classification (germline): Likely benign (1 of 4 stars; one submission).

Conditions:
Mitochondrial DNA depletion syndrome, myopathic form (MTDPS2). Also called: MITOCHONDRIAL DNA DEPLETION SYNDROME 2 (MYOPATHIC TYPE); MITOCHONDRIAL DNA DEPLETION MYOPATHY, TK2-RELATED; TK2-Related Mitochondrial DNA Maintenance Defect, Myopathic Form. Identifiers: Orphanet 254875, MedGen C3149750, MONDO:0012301, OMIM 609560.

Allele frequency attached by ClinVar (database versions not stated): 1000 Genomes Project 0.00260; 1000 Genomes Project 30x 0.00297; TOPMed 0.00506; gnomAD 0.00666 and 0.00689.

Submission:

Illumina Laboratory Services, Illumina
Classification: Likely benign for Mitochondrial DNA depletion syndrome, myopathic form. Last evaluated: 2018-01-12. Review status: criteria provided, single submitter. Criteria: ICSL Variant Classification Criteria 13 December 2019. Collection method: clinical testing. Allele origin: germline.
Comment: This variant was observed in the ICSL laboratory as part of a predisposition screen in an ostensibly healthy population. It had not been previously curated by ICSL or reported in the Human Gene Mutation Database (HGMD: prior to June 1st, 2018), and was therefore a candidate for classification through an automated scoring system. Utilizing variant allele frequency, disease prevalence and penetrance estimates, and inheritance mode, an automated score was calculated to assess if this variant is too frequent to cause the disease. Based on the score and internal cut-off values, a variant classified as likely benign is not then subjected to further curation. The score for this variant resulted in a classification of likely benign for this disease.

NM_004614.5(TK2):c.*2298C>T

Gene: TK2 (thymidine kinase 2; minus strand). Cytogenetic location: 16q21.
Variant type: single nucleotide variant.
Coding change: c.*2298C>T on transcript NM_004614.5 (MANE Select); 2298 bases downstream of the stop codon, C replaced by T.
Molecular consequence: 3 prime UTR variant. On other transcripts: non-coding transcript variant (1).
Genome position (GRCh38, 1-based): chr16:66,509,670, G>A on the plus strand (C>T on the coding strand, the complement: TK2 is on the minus strand). VCF-style: chr16-66509670-G-A. GRCh37 (hg19) VCF-style: chr16-66543573-G-A.
Other names: c.*2298C>T (NM_001172643.1, NM_001172644.2, NM_001172645.2 and 2 more transcripts); c.*2393C>T (NM_001271935.1).
Identifiers: ClinVar variation 320126 (VCV000320126.5), dbSNP rs139593959, ClinGen allele CA10647895.